The following is an entry in ClinVar:

NM_000465.4(BARD1):c.1354A>G (p.Ser452Gly)

Gene: BARD1 (BRCA1 associated RING domain 1; minus strand). Cytogenetic location: 2q35.
Variant type: single nucleotide variant.
Coding change: c.1354A>G on transcript NM_000465.4 (MANE Select); coding-DNA position 1354, A replaced by G.
Protein change: p.Ser452Gly; replaces serine 452 with glycine.
Molecular consequence: missense variant. On other transcripts: non-coding transcript variant (3), intron variant (3).
Genome position (GRCh38, 1-based): chr2:214,769,273, T>C on the plus strand (A>G on the coding strand, the complement: BARD1 is on the minus strand). VCF-style: chr2-214769273-T-C. GRCh37 (hg19) VCF-style: chr2-215633997-T-C.
Other names: c.1297A>G, p.Ser433Gly (NM_001282543.2); c.159-16718A>G (NM_001282548.2); c.216-16718A>G (NM_001282545.2); c.364+23024A>G (NM_001282549.2); c.1354A>G (NM_000465.2); short protein forms S452G, S433G.
Identifiers: ClinVar variation 1489033 (VCV001489033.10), dbSNP rs2106081294, ClinGen allele CA350450349.

ClinVar aggregate classification (germline): Uncertain significance. Review status: criteria provided, multiple submitters, no conflicts (2 of 4 stars). 2 submissions from 2 submitters: Uncertain significance (2). Last evaluated 2026-04-28.

Conditions:
Familial cancer of breast. Also called: BREAST CANCER, FAMILIAL; Hereditary breast cancer; hereditary breast carcinoma. Identifiers: Orphanet 227535, MedGen C0346153, MONDO:0016419, OMIM 114480. Disease mechanism: loss of function.
Hereditary cancer-predisposing syndrome. Also called: Tumor predisposition; Neoplastic Syndromes, Hereditary; Hereditary Cancer Syndrome; Hereditary neoplastic syndrome. Identifiers: Orphanet 140162, MedGen C0027672, MeSH D009386, MONDO:0015356.

Submissions (2):

Ambry Genetics
Classification: Uncertain significance for Hereditary cancer-predisposing syndrome. Last evaluated: 2026-04-28. Review status: criteria provided, single submitter. Criteria: Ambry Variant Classification Scheme 2023. Collection method: clinical testing. Allele origin: germline.
Comment: The p.S452G variant (also known as c.1354A>G), located in coding exon 5 of the BARD1 gene, results from an A to G substitution at nucleotide position 1354. The serine at codon 452 is replaced by glycine, an amino acid with similar properties. This amino acid position is conserved. In addition, this alteration is predicted to be tolerated by in silico analysis. Based on the available evidence, the clinical significance of this variant remains unclear.

Labcorp Genetics (formerly Invitae), Labcorp
Classification: Uncertain significance for Familial cancer of breast. Last evaluated: 2024-07-22. Review status: criteria provided, single submitter. Criteria: Invitae Variant Classification Sherloc (09022015). Collection method: clinical testing. Allele origin: germline.
Comment: This sequence change replaces serine, which is neutral and polar, with glycine, which is neutral and non-polar, at codon 452 of the BARD1 protein (p.Ser452Gly). This variant is not present in population databases (gnomAD no frequency). This variant has not been reported in the literature in individuals affected with BARD1-related conditions. ClinVar contains an entry for this variant (Variation ID: 1489033). An algorithm developed to predict the effect of missense changes on protein structure and function (PolyPhen-2) suggests that this variant is likely to be tolerated. In summary, the available evidence is currently insufficient to determine the role of this variant in disease. Therefore, it has been classified as a Variant of Uncertain Significance.